The following is an entry in ClinVar:

ClinVar aggregate classification (germline): Uncertain significance (1 of 4 stars; one submission).

Allele frequency attached by ClinVar (database versions not stated): ExAC 0.00002; gnomAD 0.00002; gnomAD exomes 0.00001; TOPMed 0.00004; ESP Exome Variant Server 0.00008.
gnomAD v4.1: 11 of 1,613,742 alleles (0.00068%); highest among the groups gnomAD compares: African/African-American, 0.011%; 1 homozygote.

Submission:

Labcorp Genetics (formerly Invitae), Labcorp
Classification: Uncertain significance. Last evaluated: 2022-08-11. Review status: criteria provided, single submitter. Criteria: Invitae Variant Classification Sherloc (09022015). Collection method: clinical testing. Allele origin: germline.
Comment: This sequence change replaces isoleucine, which is neutral and non-polar, with threonine, which is neutral and polar, at codon 785 of the OCA2 protein (p.Ile785Thr). This variant is present in population databases (rs148153776, gnomAD 0.008%). This variant has not been reported in the literature in individuals affected with OCA2-related conditions. ClinVar contains an entry for this variant (Variation ID: 1345577). Advanced modeling of protein sequence and biophysical properties (such as structural, functional, and spatial information, amino acid conservation, physicochemical variation, residue mobility, and thermodynamic stability) performed at Invitae indicates that this missense variant is expected to disrupt OCA2 protein function. In summary, the available evidence is currently insufficient to determine the role of this variant in disease. Therefore, it has been classified as a Variant of Uncertain Significance.

NM_000275.3(OCA2):c.2354T>C (p.Ile785Thr)

Gene: OCA2 (OCA2 melanosomal transmembrane protein; minus strand). Cytogenetic location: 15q13.1.
Variant type: single nucleotide variant.
Coding change: c.2354T>C on transcript NM_000275.3 (MANE Select); coding-DNA position 2354, T replaced by C.
Protein change: p.Ile785Thr; replaces isoleucine 785 with threonine.
Molecular consequence: missense variant.
Genome position (GRCh38, 1-based): chr15:27,845,037, A>G on the plus strand (T>C on the coding strand, the complement: OCA2 is on the minus strand). VCF-style: chr15-27845037-A-G. GRCh37 (hg19) VCF-style: chr15-28090183-A-G.
Other names: c.2282T>C, p.Ile761Thr (NM_001300984.2); short protein forms I761T, I785T.
Identifiers: ClinVar variation 1345577 (VCV001345577.3), dbSNP rs148153776, ClinGen allele CA7438603.
Genomic context (GRCh38, chr15:27,845,037, plus strand): 5'-GAGAACCCATATCCATGCTGTTCTGCAATCCCTGCACACACGACGTTTGCCGACGCGCCA[A>G]TCAGTGTCCCGTTACCTAAAGTCAAAATTTAAAAACAAAATCCCAGTTCATCTTGGTGGT-3'
Protein context (NP_000266.2, residues 775-795): GACLGGNGTL[Ile785Thr]GASANVVCAG